The following is an entry in ClinVar:

ClinVar aggregate classification (germline): Uncertain significance (1 of 4 stars; one submission).

gnomAD v4.1: 7 of 1,546,838 alleles (0.00045%); highest among the groups gnomAD compares: South Asian, 0.0035%; no homozygotes.

Submission:

Labcorp Genetics (formerly Invitae), Labcorp
Classification: Uncertain significance. Last evaluated: 2025-10-29. Review status: criteria provided, single submitter. Criteria: Invitae Variant Classification Sherloc (09022015). Collection method: clinical testing. Allele origin: germline.
Comment: This sequence change affects codon 28 of the TGFB1 mRNA. It is a 'silent' change, meaning that it does not change the encoded amino acid sequence of the TGFB1 protein. The frequency data for this variant in the population databases is considered unreliable, as metrics indicate poor data quality at this position in the gnomAD database. This variant has not been reported in the literature in individuals affected with TGFB1-related conditions. ClinVar contains an entry for this variant (Variation ID: 3686834). Algorithms developed to predict the effect of sequence changes on RNA splicing suggest that this variant may create or strengthen a splice site. In summary, the available evidence is currently insufficient to determine the role of this variant in disease. Therefore, it has been classified as a Variant of Uncertain Significance.

NM_000660.7(TGFB1):c.84G>A (p.Ala28=)

Gene: TGFB1 (transforming growth factor beta 1; minus strand). Cytogenetic location: 19q13.2.
Variant type: single nucleotide variant.
Coding change: c.84G>A on transcript NM_000660.7 (MANE Select); coding-DNA position 84, G replaced by A.
Protein change: p.Ala28=; no amino-acid change (alanine 28 retained).
Molecular consequence: synonymous variant.
Genome position (GRCh38, 1-based): chr19:41,352,961, C>T on the plus strand (G>A on the coding strand, the complement: TGFB1 is on the minus strand). VCF-style: chr19-41352961-C-T. GRCh37 (hg19) VCF-style: chr19-41858866-C-T.
Identifiers: ClinVar variation 3686834 (VCV003686834.2).